The following is an entry in ClinVar:

NM_022124.6(CDH23):c.430A>G (p.Asn144Asp)

Gene: CDH23 (cadherin related 23; plus strand). Cytogenetic location: 10q22.1.
Variant type: single nucleotide variant.
Coding change: c.430A>G on transcript NM_022124.6 (MANE Select); coding-DNA position 430, A replaced by G.
Protein change: p.Asn144Asp; replaces asparagine 144 with aspartic acid.
Molecular consequence: missense variant.
Genome position (GRCh38, 1-based): chr10:71,566,742, A>G. VCF-style: chr10-71566742-A-G. GRCh37 (hg19) VCF-style: chr10-73326499-A-G.
Other names: c.430A>G (NM_022124.5); c.430A>G, p.Asn144Asp (NM_001171930.2, NM_001171931.2, NM_001171932.2 and 1 more transcripts); short protein forms N144D.
Identifiers: ClinVar variation 1518469 (VCV001518469.8), dbSNP rs1392353999, ClinGen allele CA377111687.

ClinVar aggregate classification (germline): Uncertain significance. Review status: criteria provided, multiple submitters, no conflicts (2 of 4 stars). 3 submissions from 3 submitters: Uncertain significance (2). 1 of the submissions does not count toward it. Last evaluated 2025-08-07.

Conditions:
Usher syndrome type 1 (USH1). Also called: RETINITIS PIGMENTOSA AND CONGENITAL DEAFNESS. Identifiers: Orphanet 231169, Orphanet 886, MedGen C1568247, MONDO:0010168, OMIM 276900.

Allele frequency attached by ClinVar (database versions not stated): gnomAD exomes below 0.00001; gnomAD 0.00001; TOPMed 0.00001.
gnomAD v4.1: 3 of 1,596,356 alleles (0.00019%); highest among the groups gnomAD compares: African/African-American, 0.0027%; no homozygotes.

Submissions (3):

GeneDx
Classification: Uncertain significance. Last evaluated: 2025-08-07. Review status: criteria provided, single submitter. Criteria: GeneDx Variant Classification Process June 2021. Collection method: clinical testing. Allele origin: germline. Affected: yes.
Comment: In silico analysis suggests that this missense variant does not alter protein structure/function; Has not been previously published as pathogenic or benign to our knowledge

Labcorp Genetics (formerly Invitae), Labcorp
Classification: Uncertain significance. Last evaluated: 2022-10-03. Review status: criteria provided, single submitter. Criteria: Invitae Variant Classification Sherloc (09022015). Collection method: clinical testing. Allele origin: germline.
Comment: This sequence change replaces asparagine, which is neutral and polar, with aspartic acid, which is acidic and polar, at codon 144 of the CDH23 protein (p.Asn144Asp). In summary, the available evidence is currently insufficient to determine the role of this variant in disease. Therefore, it has been classified as a Variant of Uncertain Significance. Algorithms developed to predict the effect of missense changes on protein structure and function output the following: SIFT: "Deleterious"; PolyPhen-2: "Not Available"; Align-GVGD: "Class C0". The aspartic acid amino acid residue is found in multiple mammalian species, which suggests that this missense change does not adversely affect protein function. ClinVar contains an entry for this variant (Variation ID: 1518469). This variant has not been reported in the literature in individuals affected with CDH23-related conditions. This variant is present in population databases (no rsID available, gnomAD 0.01%).

Natera, Inc.
Classification: Uncertain significance for Usher syndrome type 1. Last evaluated: 2025-01-16. Review status: no assertion criteria provided. Collection method: clinical testing. Allele origin: germline. Not counted in ClinVar's aggregate classification.